The following is an entry in ClinVar:

NM_000051.4(ATM):c.5734G>A (p.Val1912Ile)

Gene: ATM (ATM serine/threonine kinase; plus strand). Cytogenetic location: 11q22.3.
Variant type: single nucleotide variant.
Coding change: c.5734G>A on transcript NM_000051.4 (MANE Select); coding-DNA position 5734, G replaced by A.
Protein change: p.Val1912Ile; replaces valine 1912 with isoleucine.
Molecular consequence: missense variant.
Genome position (GRCh38, 1-based): chr11:108,307,956, G>A. VCF-style: chr11-108307956-G-A. GRCh37 (hg19) VCF-style: chr11-108178683-G-A.
Other names: c.5734G>A, p.Val1912Ile (NM_001351834.2); short protein forms V1912I.
Identifiers: ClinVar variation 490619 (VCV000490619.19), dbSNP rs1064794105, ClinGen allele CA382547966.

ClinVar aggregate classification (germline): Uncertain significance. Review status: criteria provided, multiple submitters, no conflicts (2 of 4 stars). 6 submissions from 6 submitters: Uncertain significance (5). 1 of the submissions does not count toward it. Last evaluated 2025-08-08.

Conditions:
Hereditary cancer-predisposing syndrome. Also called: Tumor predisposition; Neoplastic Syndromes, Hereditary; Hereditary Cancer Syndrome; Hereditary neoplastic syndrome. Identifiers: Orphanet 140162, MedGen C0027672, MeSH D009386, MONDO:0015356.
Familial cancer of breast. Also called: BREAST CANCER, FAMILIAL; hereditary breast carcinoma; Hereditary breast cancer. Identifiers: Orphanet 227535, MedGen C0346153, MONDO:0016419, OMIM 114480. Disease mechanism: loss of function.
Ataxia-telangiectasia syndrome (AT). Also called: Ataxia-telangiectasia; Ataxia-telangiectasia, complementation group D; AT, COMPLEMENTATION GROUP C; LOUIS-BAR SYNDROME; Cerebello-oculocutaneous telangiectasia; Immunodeficiency with ataxia telangiectasia. Identifiers: Orphanet 100, MedGen C0004135, MONDO:0008840, OMIM 208900.

Allele frequency attached by ClinVar (database versions not stated): gnomAD exomes below 0.00001.
gnomAD v4.1: 5 of 1,613,756 alleles (0.00031%); highest among the groups gnomAD compares: Middle Eastern, 0.017%; no homozygotes.

Submissions (6):

Ambry Genetics
Classification: Uncertain significance for Hereditary cancer-predisposing syndrome. Last evaluated: 2025-08-08. Review status: criteria provided, single submitter. Criteria: Ambry Variant Classification Scheme 2023. Collection method: clinical testing. Allele origin: germline.
Comment: The p.V1912I variant (also known as c.5734G>A), located in coding exon 37 of the ATM gene, results from a G to A substitution at nucleotide position 5734. The valine at codon 1912 is replaced by isoleucine, an amino acid with highly similar properties. This amino acid position is well conserved in available vertebrate species. In addition, this alteration is predicted to be tolerated by in silico analysis. Since supporting evidence is limited at this time, the clinical significance of this alteration remains unclear.

Labcorp Genetics (formerly Invitae), Labcorp
Classification: Uncertain significance for Ataxia-telangiectasia syndrome. Last evaluated: 2025-05-18. Review status: criteria provided, single submitter. Criteria: Invitae Variant Classification Sherloc (09022015). Collection method: clinical testing. Allele origin: germline.
Comment: This sequence change replaces valine, which is neutral and non-polar, with isoleucine, which is neutral and non-polar, at codon 1912 of the ATM protein (p.Val1912Ile). This variant is present in population databases (no rsID available, gnomAD no frequency). This variant has not been reported in the literature in individuals affected with ATM-related conditions. ClinVar contains an entry for this variant (Variation ID: 490619). Invitae Evidence Modeling of protein sequence and biophysical properties (such as structural, functional, and spatial information, amino acid conservation, physicochemical variation, residue mobility, and thermodynamic stability) indicates that this missense variant is not expected to disrupt ATM protein function with a negative predictive value of 95%. In summary, the available evidence is currently insufficient to determine the role of this variant in disease. Therefore, it has been classified as a Variant of Uncertain Significance.

Color Diagnostics, LLC DBA Color Health
Classification: Uncertain significance for Hereditary cancer-predisposing syndrome. Last evaluated: 2025-03-17. Review status: criteria provided, single submitter. Criteria: ACMG Guidelines, 2015. Collection method: clinical testing. Allele origin: germline.
Comment: This missense variant replaces valine with isoleucine at codon 1912 of the ATM protein. Computational prediction suggests that this variant may not impact protein structure and function. To our knowledge, functional studies have not been reported for this variant. This variant has not been reported in individuals affected with hereditary cancer in the literature. This variant has been identified in 1/251122 chromosomes in the general population by the Genome Aggregation Database (gnomAD). The available evidence is insufficient to determine the role of this variant in disease conclusively. Therefore, this variant is classified as a Variant of Uncertain Significance.

Athena Diagnostics
Classification: Uncertain significance. Last evaluated: 2024-03-26. Review status: criteria provided, single submitter. Criteria: Athena Diagnostics Criteria. Collection method: clinical testing. Allele origin: unknown.
Comment: Available data are insufficient to determine the clinical significance of the variant at this time. The frequency of this variant in the general population is uninformative in assessment of its pathogenicity. Computational tools predict that this variant is not damaging.

Baylor Genetics
Classification: Uncertain significance for Familial cancer of breast. Last evaluated: 2024-01-17. Review status: criteria provided, single submitter. Criteria: ACMG Guidelines, 2015. Collection method: clinical testing. Allele origin: unknown.

Natera, Inc.
Classification: Uncertain significance for Ataxia-telangiectasia. Last evaluated: 2021-01-29. Review status: no assertion criteria provided. Collection method: clinical testing. Allele origin: germline. Not counted in ClinVar's aggregate classification.